The following is an entry in ClinVar:

NM_020987.5(ANK3):c.4424C>T (p.Pro1475Leu)

Gene: ANK3 (ankyrin 3; minus strand). Cytogenetic location: 10q21.2.
Variant type: single nucleotide variant.
Coding change: c.4424C>T on transcript NM_020987.5 (MANE Select); coding-DNA position 4424, C replaced by T.
Protein change: p.Pro1475Leu; replaces proline 1475 with leucine.
Molecular consequence: missense variant.
Genome position (GRCh38, 1-based): chr10:60,080,545, G>A on the plus strand (C>T on the coding strand, the complement: ANK3 is on the minus strand). VCF-style: chr10-60080545-G-A. GRCh37 (hg19) VCF-style: chr10-61840303-G-A.
Other names: c.1799C>T, p.Pro600Leu (NM_001149.4); c.4379C>T, p.Pro1460Leu (NM_001204403.2); c.4400C>T, p.Pro1467Leu (NM_001204404.2); c.4397C>T, p.Pro1466Leu (NM_001320874.2); short protein forms P1466L, P1475L, P1467L, P600L, P1460L.
Identifiers: ClinVar variation 1899795 (VCV001899795.5), dbSNP rs200130698, ClinGen allele CA5512209.
Genomic context (GRCh38, chr10:60,080,545, plus strand): 5'-GTCTCTTCTTATGAAAATCCACGTAGATTAGTAAATGTGTTAGGAAACTCACTCATTCCA[G>A]GCTCAGTCAAGTAGCTGTAGCGCTTACGTAAAGCTAAGGATGCGAAGCTCTGTCGTCTAT-3'
Protein context (NP_066267.2, residues 1465-1485): LRKRYSYLTE[Pro1475Leu]GMIERSTGAT

ClinVar aggregate classification (germline): Uncertain significance. Review status: criteria provided, multiple submitters, no conflicts (2 of 4 stars). 2 submissions from 2 submitters: Uncertain significance (2). Last evaluated 2024-10-16.

Allele frequency attached by ClinVar (database versions not stated): gnomAD 0.00009; TOPMed 0.00012; gnomAD exomes 0.00013; ESP Exome Variant Server 0.00023.
gnomAD v4.1: 203 of 1,612,376 alleles (0.013%); highest among the groups gnomAD compares: Non-Finnish European, 0.016%; no homozygotes.

Submissions (2):

Labcorp Genetics (formerly Invitae), Labcorp
Classification: Uncertain significance. Last evaluated: 2024-10-16. Review status: criteria provided, single submitter. Criteria: Invitae Variant Classification Sherloc (09022015). Collection method: clinical testing. Allele origin: germline.
Comment: This sequence change replaces proline, which is neutral and non-polar, with leucine, which is neutral and non-polar, at codon 1475 of the ANK3 protein (p.Pro1475Leu). This variant is present in population databases (rs200130698, gnomAD 0.02%). This variant has not been reported in the literature in individuals affected with ANK3-related conditions. ClinVar contains an entry for this variant (Variation ID: 1899795). Invitae Evidence Modeling of protein sequence and biophysical properties (such as structural, functional, and spatial information, amino acid conservation, physicochemical variation, residue mobility, and thermodynamic stability) indicates that this missense variant is expected to disrupt ANK3 protein function with a positive predictive value of 80%. In summary, the available evidence is currently insufficient to determine the role of this variant in disease. Therefore, it has been classified as a Variant of Uncertain Significance.

Institute for Clinical Genetics, University Hospital TU Dresden, University Hospital TU Dresden
Classification: Uncertain significance. Last evaluated: 2022-07-27. Review status: criteria provided, single submitter. Criteria: ACMG Guidelines, 2015. Collection method: clinical testing. Allele origin: paternal.
Comment: PP3, PM2_SUP